The following is an entry in ClinVar:

NM_032043.3(BRIP1):c.3254G>C (p.Arg1085Thr)

Gene: BRIP1 (BRCA1 interacting DNA helicase 1; minus strand). Cytogenetic location: 17q23.2.
Variant type: single nucleotide variant.
Coding change: c.3254G>C on transcript NM_032043.3 (MANE Select); coding-DNA position 3254, G replaced by C.
Protein change: p.Arg1085Thr; replaces arginine 1085 with threonine.
Molecular consequence: missense variant.
Genome position (GRCh38, 1-based): chr17:61,683,792, C>G on the plus strand (G>C on the coding strand, the complement: BRIP1 is on the minus strand). VCF-style: chr17-61683792-C-G. GRCh37 (hg19) VCF-style: chr17-59761153-C-G.
Other names: short protein forms R1085T.
Identifiers: ClinVar variation 575616 (VCV000575616.8), dbSNP rs1567728589, ClinGen allele CA400479123.
Genomic context (GRCh38, chr17:61,683,792, plus strand): 5'-AATTCAATGTCTGGATCCAGGGCTTCTTCAGAACAGAGCGGATGTTCAGAATGATTTTTT[C>G]TAGTAAGGGTGGCATCAATCTTTAATGATGAAATAATGGTTTCTGATTGAGGGCATGATC-3'
Protein context (NP_114432.2, residues 1075-1095): SSLKIDATLT[Arg1085Thr]KNHSEHPLCS

ClinVar aggregate classification (germline): Uncertain significance. Review status: criteria provided, multiple submitters, no conflicts (2 of 4 stars). 2 submissions from 2 submitters: Uncertain significance (2). Last evaluated 2025-06-22.

Conditions:
Fanconi anemia complementation group J. Also called: BRIP1-Related Fanconi Anemia. Identifiers: Orphanet 84, MedGen C1836860, MONDO:0012187, OMIM 609054.
Familial cancer of breast. Also called: hereditary breast carcinoma; BREAST CANCER, FAMILIAL; Hereditary breast cancer. Identifiers: Orphanet 227535, MedGen C0346153, MONDO:0016419, OMIM 114480. Disease mechanism: loss of function.
Hereditary cancer-predisposing syndrome. Also called: Hereditary neoplastic syndrome; Tumor predisposition; Hereditary Cancer Syndrome; Neoplastic Syndromes, Hereditary. Identifiers: Orphanet 140162, MedGen C0027672, MeSH D009386, MONDO:0015356.

Submissions (2):

Labcorp Genetics (formerly Invitae), Labcorp
Classification: Uncertain significance for Familial cancer of breast; Fanconi anemia complementation group J. Last evaluated: 2025-06-22. Review status: criteria provided, single submitter. Criteria: Invitae Variant Classification Sherloc (09022015). Collection method: clinical testing. Allele origin: germline.
Comment: This sequence change replaces arginine, which is basic and polar, with threonine, which is neutral and polar, at codon 1085 of the BRIP1 protein (p.Arg1085Thr). This variant is not present in population databases (gnomAD no frequency). This variant has not been reported in the literature in individuals affected with BRIP1-related conditions. ClinVar contains an entry for this variant (Variation ID: 575616). Invitae Evidence Modeling of protein sequence and biophysical properties (such as structural, functional, and spatial information, amino acid conservation, physicochemical variation, residue mobility, and thermodynamic stability) indicates that this missense variant is not expected to disrupt BRIP1 protein function with a negative predictive value of 95%. In summary, the available evidence is currently insufficient to determine the role of this variant in disease. Therefore, it has been classified as a Variant of Uncertain Significance.

Ambry Genetics
Classification: Uncertain significance for Hereditary cancer-predisposing syndrome. Last evaluated: 2023-05-21. Review status: criteria provided, single submitter. Criteria: Ambry Variant Classification Scheme 2023. Collection method: clinical testing. Allele origin: germline.
Comment: The p.R1085T variant (also known as c.3254G>C), located in coding exon 19 of the BRIP1 gene, results from a G to C substitution at nucleotide position 3254. The arginine at codon 1085 is replaced by threonine, an amino acid with similar properties. This amino acid position is conserved. In addition, this alteration is predicted to be tolerated by in silico analysis. Since supporting evidence is limited at this time, the clinical significance of this alteration remains unclear.